The following is an entry in ClinVar:

ClinVar aggregate classification (germline): Likely benign. Review status: criteria provided, single submitter (1 of 4 stars). 2 submissions from 2 submitters: Likely benign (1). 1 of the submissions does not count toward it. Last evaluated 2025-12-23.

Conditions:
COL4A1-related disorder. Also called: COL4A1-related condition; COL4A1-related disorders. Identifiers: MedGen CN376119, MONDO:0800461.

Allele frequency attached by ClinVar (database versions not stated): gnomAD exomes 0.00003; TOPMed 0.00001; ExAC 0.00003.
gnomAD v4.1: 43 of 1,613,882 alleles (0.0027%); highest among the groups gnomAD compares: Non-Finnish European, 0.0034%; no homozygotes.

Submissions (2):

Labcorp Genetics (formerly Invitae), Labcorp
Classification: Likely benign. Last evaluated: 2025-12-23. Review status: criteria provided, single submitter. Criteria: Invitae Variant Classification Sherloc (09022015). Collection method: clinical testing. Allele origin: germline.

PreventionGenetics, part of Exact Sciences
Classification: Likely benign for COL4A1-related condition. Last evaluated: 2022-02-03. Review status: no assertion criteria provided. Collection method: clinical testing. Allele origin: germline. Not counted in ClinVar's aggregate classification.
Comment: This variant is classified as likely benign based on ACMG/AMP sequence variant interpretation guidelines (Richards et al. 2015 PMID: 25741868, with internal and published modifications).

NM_001845.6(COL4A1):c.3876+9T>C

Gene: COL4A1 (collagen type IV alpha 1 chain; minus strand). Cytogenetic location: 13q34.
Variant type: single nucleotide variant.
Coding change: c.3876+9T>C on transcript NM_001845.6 (MANE Select); 9 bases into the intron after coding-DNA position 3876, T replaced by C.
Molecular consequence: intron variant.
Genome position (GRCh38, 1-based): chr13:110,169,620, A>G on the plus strand (T>C on the coding strand, the complement: COL4A1 is on the minus strand). VCF-style: chr13-110169620-A-G. GRCh37 (hg19) VCF-style: chr13-110821967-A-G.
Other names: c.3876+9T>C (NM_001845.5).
Identifiers: ClinVar variation 2724232 (VCV002724232.5), dbSNP rs767570461, ClinGen allele CA7047126.